The following is an entry in ClinVar:

NM_018100.4(EFHC1):c.1586C>A (p.Ala529Glu)

Gene: EFHC1 (EF-hand domain containing 1; plus strand). Cytogenetic location: 6p12.2.
Variant type: single nucleotide variant.
Coding change: c.1586C>A on transcript NM_018100.4 (MANE Select); coding-DNA position 1586, C replaced by A.
Protein change: p.Ala529Glu; replaces alanine 529 with glutamic acid.
Molecular consequence: missense variant. On other transcripts: non-coding transcript variant (1).
Genome position (GRCh38, 1-based): chr6:52,479,733, C>A. VCF-style: chr6-52479733-C-A. GRCh37 (hg19) VCF-style: chr6-52344531-C-A.
Other names: c.1529C>A, p.Ala510Glu (NM_001172420.2); short protein forms A529E, A510E.
Identifiers: ClinVar variation 411570 (VCV000411570.13), dbSNP rs759944784, ClinGen allele CA16611941.
Genomic context (GRCh38, chr6:52,479,733, plus strand): 5'-ACGAGTATGTTTTGAAATACATGGAGAGCAACGCTGCCCAGTATTCACCAGAAGCACTCG[C>A]GTCAATTCAGAACCATGTCCGAAAGCGAGAAGCGCCTGCTCCAGAAGCAGAAAGGTGTGT-3'
Protein context (NP_060570.2, residues 519-539): NAAQYSPEAL[Ala529Glu]SIQNHVRKRE

ClinVar aggregate classification (germline): Uncertain significance. Review status: criteria provided, multiple submitters, no conflicts (2 of 4 stars). 2 submissions from 2 submitters: Uncertain significance (2). Last evaluated 2025-06-02.

Conditions:
Absence seizure. Also called: Absence epilepsy. Identifiers: Orphanet 1941, MedGen C0014553.
Myoclonic epilepsy, juvenile, susceptibility to, 1. Also called: Myoclonic Epilepsy, Juvenile, 1; EJM1. Identifiers: MedGen C1850778, MONDO:0020752, OMIM 254770.

Allele frequency attached by ClinVar (database versions not stated): gnomAD 0.00001; TOPMed 0.00001.
gnomAD v4.1: 6 of 1,614,084 alleles (0.00037%); highest among the groups gnomAD compares: Admixed American, 0.0033%; no homozygotes.

Submissions (2):

Labcorp Genetics (formerly Invitae), Labcorp
Classification: Uncertain significance for Myoclonic epilepsy, juvenile, susceptibility to, 1; Absence seizure. Last evaluated: 2025-06-02. Review status: criteria provided, single submitter. Criteria: Invitae Variant Classification Sherloc (09022015). Collection method: clinical testing. Allele origin: germline.
Comment: This sequence change replaces alanine, which is neutral and non-polar, with glutamic acid, which is acidic and polar, at codon 529 of the EFHC1 protein (p.Ala529Glu). This variant is present in population databases (no rsID available, gnomAD 0.003%). This variant has not been reported in the literature in individuals affected with EFHC1-related conditions. ClinVar contains an entry for this variant (Variation ID: 411570). Invitae Evidence Modeling of protein sequence and biophysical properties (such as structural, functional, and spatial information, amino acid conservation, physicochemical variation, residue mobility, and thermodynamic stability) indicates that this missense variant is not expected to disrupt EFHC1 protein function with a negative predictive value of 80%. In summary, the available evidence is currently insufficient to determine the role of this variant in disease. Therefore, it has been classified as a Variant of Uncertain Significance.

Ambry Genetics
Classification: Uncertain significance. Last evaluated: 2024-12-21. Review status: criteria provided, single submitter. Criteria: Ambry Variant Classification Scheme 2023. Collection method: clinical testing. Allele origin: germline.